The following is an entry in ClinVar:

NM_000548.5(TSC2):c.195T>A (p.Cys65Ter)

Gene: TSC2 (TSC complex subunit 2; plus strand). Cytogenetic location: 16p13.3.
Variant type: single nucleotide variant.
Coding change: c.195T>A on transcript NM_000548.5 (MANE Select); coding-DNA position 195, T replaced by A.
Protein change: p.Cys65Ter; replaces cysteine 65 with a stop codon.
Molecular consequence: nonsense. On other transcripts: 5 prime UTR variant (20), non-coding transcript variant (5).
Genome position (GRCh38, 1-based): chr16:2,050,456, T>A. VCF-style: chr16-2050456-T-A. GRCh37 (hg19) VCF-style: chr16-2100457-T-A.
Other names: c.195T>A, p.Cys65Ter (NM_001077183.3, NM_001114382.3, NM_001318827.2 and 13 more transcripts); c.48T>A, p.Cys16Ter (NM_001318829.2, NM_001406675.1, NM_001406676.1 and 2 more transcripts); c.-32T>A (NM_001318831.2, NM_001406682.1, NM_001406684.1 and 3 more transcripts); c.228T>A, p.Cys76Ter (NM_001318832.2); c.-622T>A (NM_001406680.1, NM_001406683.1, NM_001406687.1); c.-251T>A (NM_001406681.1); c.-1237T>A (NM_001406689.1, NM_001406690.1, NM_001406691.1 and 2 more transcripts); c.-1543T>A (NM_001406693.1); and 3 more; short protein forms C16*, C65*, C76*.
Identifiers: ClinVar variation 4849099 (VCV004849099.1).

ClinVar aggregate classification (germline): Pathogenic (1 of 4 stars; one submission).

Conditions:
Tuberous sclerosis syndrome (TSC). Also called: Tuberous Sclerosis Complex; Tuberous sclerosis. Identifiers: Orphanet 805, MedGen C0041341, MONDO:0001734.

Submission:

Women's Health and Genetics/Laboratory Corporation of America, LabCorp
Classification: Pathogenic for Tuberous sclerosis syndrome. Last evaluated: 2026-04-24. Review status: criteria provided, single submitter. Criteria: LabCorp Variant Classification Summary - May 2015. Collection method: clinical testing. Allele origin: germline.
Comment: Variant summary: TSC2 c.195T>A (p.Cys65X) results in a premature termination codon, predicted to cause a truncation of the encoded protein or absence of the protein due to nonsense mediated decay, which are commonly known mechanisms for disease. The variant was absent in 251118 control chromosomes. c.195T>A has been observed in at least one individual affected with Tuberous Sclerosis Complex (Dufner-Almeida_2024). To our knowledge, no experimental evidence demonstrating an impact on protein function has been reported. The following publication have been ascertained in the context of this evaluation (PMID: 39596632). No submitters have cited clinical-significance assessments for this variant to ClinVar. Based on the evidence outlined above, the variant was classified as pathogenic.

Literature cited by the submitters: PubMed 39596632.